The following is an entry in ClinVar:

ClinVar aggregate classification (germline): Likely pathogenic (1 of 4 stars; one submission).

Conditions:
Severe X-linked mitochondrial encephalomyopathy. Also called: ENCEPHALOMYOPATHY, MITOCHONDRIAL, X-LINKED. Identifiers: Orphanet 238329, MedGen C3151753, MONDO:0010437, OMIM 300816.

Allele frequency attached by ClinVar (database versions not stated): TOPMed below 0.00001.

Submission:

3billion
Classification: Likely pathogenic for Severe X-linked mitochondrial encephalomyopathy. Last evaluated: 2024-07-03. Review status: criteria provided, single submitter. Criteria: ACMG Guidelines, 2015. Collection method: clinical testing. Allele origin: germline. Affected: yes.
Comment: The variant is not observed in the gnomAD v4.0.0 dataset. Predicted Consequence/Location: Missense changes are a common disease-causing mechanism. In silico tool predictions suggest damaging effect of the variant on gene or gene product [3Cnet: 0.74 (>=0.6, sensitivity 0.72 and precision 0.9)]. The same nucleotide change resulting in the same amino acid change has been previously reported to be associated with AIFM1 related disorder (PMID: 36194208).The variant has been previously reported as de novo in a similarly affected individual (PMID: 36194208). Therefore, this variant is classified as Likely pathogenic according to the recommendation of ACMG/AMP guideline.

Literature cited by the submitters: PubMed 36194208.

NM_004208.4(AIFM1):c.1267G>A (p.Val423Ile)

Genes: AIFM1 (apoptosis inducing factor mitochondria associated 1; minus strand), RAB33A (RAB33A, member RAS oncogene family; plus strand). Cytogenetic location: Xq26.1.
Variant type: single nucleotide variant.
Coding change: c.1267G>A on transcript NM_004208.4 (MANE Select); coding-DNA position 1267, G replaced by A.
Protein change: p.Val423Ile; replaces valine 423 with isoleucine.
Molecular consequence: missense variant. On other transcripts: 3 prime UTR variant (1), non-coding transcript variant (1).
Genome position (GRCh38, 1-based): chrX:130,136,083, C>T on the plus strand (G>A on the coding strand, the complement: AIFM1 is on the minus strand). VCF-style: chrX-130136083-C-T. GRCh37 (hg19) VCF-style: chrX-129270058-C-T.
Other names: c.250G>A, p.Val84Ile (NM_001130846.4); c.*495G>A (NM_001130847.4); c.1255G>A, p.Val419Ile (NM_145812.3); short protein forms V419I, V423I, V84I.
Identifiers: ClinVar variation 2444188 (VCV002444188.2), dbSNP rs2030323020, ClinGen allele CA414574659.